The following is an entry in ClinVar:

NM_015346.4(ZFYVE26):c.1457del (p.Pro486fs)

Gene: ZFYVE26 (zinc finger FYVE-type containing 26; minus strand). Cytogenetic location: 14q24.1.
Variant type: Deletion.
Coding change: c.1457del on transcript NM_015346.4 (MANE Select); coding-DNA position 1457, one base deleted (C; older notation c.1457delC).
Protein change: p.Pro486fs; shifts the reading frame from proline 486.
Molecular consequence: frameshift variant.
Genome position (GRCh38, 1-based): chr14:67,802,261, G deleted on the plus strand (C on the coding strand, the reverse complement: ZFYVE26 is on the minus strand); the first of 3 consecutive G bases (chr14:67,802,261-67,802,263); deleting any one gives the same sequence. VCF-style (leftmost placement, unchanged base first): chr14-67802260-AG-A. GRCh37 (hg19) VCF-style: chr14-68268977-AG-A.
Other names: short protein forms P486fs.
Identifiers: ClinVar variation 5013556 (VCV005013556.1).

ClinVar aggregate classification (germline): Pathogenic (1 of 4 stars; one submission).

Conditions:
Hereditary spastic paraplegia 15 (SPG15). Also called: SPASTIC PARAPLEGIA 15, AUTOSOMAL RECESSIVE; KJELLIN SYNDROME; SPASTIC PARAPLEGIA AND RETINAL DEGENERATION. Identifiers: Orphanet 100996, MedGen C1849128, MONDO:0010044, OMIM 270700.

Submission:

Myriad Genetics, Inc.
Classification: Pathogenic for Hereditary spastic paraplegia 15. Last evaluated: 2024-09-17. Review status: criteria provided, single submitter. Criteria: Myriad Autosomal Dominant, Autosomal Recessive and X-Linked Classification Criteria (2023). Collection method: clinical testing. Allele origin: unknown.
Comment: NM_015346.3(ZFYVE26):c.1457delC(P486Lfs*4) is expected to be pathogenic in the context of spastic paraplegia type 15. This variant is predicted to lead to an abnormal or absent protein product due to the creation of a premature termination codon in ZFYVE26, a gene where loss-of-function variants are known to be pathogenic. Please note: this variant was assessed in the context of healthy population screening.